The following is an entry in ClinVar:

ClinVar aggregate classification (germline): Conflicting classifications of pathogenicity. Review status: criteria provided, conflicting classifications (1 of 4 stars). 24 submissions from 20 submitters: Pathogenic (2); Likely pathogenic (11); Uncertain significance (8); Likely benign (1). 2 of the submissions do not count toward it. Last evaluated 2026-05-20.

Conditions:
Beta-thalassemia HBB/LCRB. Identifiers: MedGen CN322236, MONDO:0013517, OMIM 613985.
METHEMOGLOBINEMIA, BETA TYPE. Also called: Methemoglobinemia, beta-globin type. Identifiers: MedGen C1840779, OMIM 617971.
Hb SS disease (SCD). Also called: Sickle cell anemia; Sickle cell disease; HbS disease; Hemoglobin S Disease; Sickling disorder due to hemoglobin S; Hemoglobin SS. Identifiers: Orphanet 232, Orphanet 275752, MedGen C0002895, MONDO:0011382, OMIM 603903.
Dominant beta-thalassemia. Also called: Beta-thalassemia, dominant inclusion body type. Identifiers: Orphanet 231226, Orphanet 848, MedGen C1858990, MONDO:0011381, OMIM 603902.
Erythrocytosis, familial, 6. Also called: ERYTHROCYTOSIS, BETA-GLOBIN TYPE; POLYCYTHEMIA, BETA-GLOBIN TYPE. Identifiers: MedGen C4693822, MONDO:0054801, OMIM 617980.
Heinz body anemia. Also called: Heinz body hemolytic anemia. Identifiers: Orphanet 178330, MedGen C0700299, MONDO:0007705, OMIM 140700, HP:0005511.
Malaria, susceptibility to. Identifiers: Orphanet 673, MedGen C1970028, MONDO:0021024, OMIM 611162.
Hereditary persistence of fetal hemoglobin. Identifiers: MedGen C0019025, MONDO:0020989, OMIM 141749.
alpha Thalassemia. Also called: Alpha thalassemia spectrum. Identifiers: Orphanet 846, MedGen C0002312, MONDO:0011399, OMIM 604131.
beta Thalassemia (BTHAL). Also called: Cooley's anemia; Erythroblastic anemia; Mediterranean anemia. Identifiers: Orphanet 848, MedGen C0005283, MONDO:0019402. Disease mechanism: loss of function.
Fetal hemoglobin quantitative trait locus 1 (HBFQTL1). Identifiers: Orphanet 251380, MedGen C1841621.
Hemoglobinopathy. Also called: Haemoglobinopathies; Hemoglobin disorder. Identifiers: MedGen C0019045, MONDO:0044348.
Hemoglobin E. Identifiers: MedGen C3889325.
HEMOGLOBIN CITY OF HOPE.

Allele frequency attached by ClinVar (database versions not stated): gnomAD 0.00064 and 0.00058; ExAC 0.00084; gnomAD exomes 0.00094; TOPMed 0.00056.
gnomAD v4.1: 798 of 1,614,010 alleles (0.049%); highest among the groups gnomAD compares: African/African-American, 0.035%; 4 homozygotes.

Submissions 1 to 6 of 24:

Women's Health and Genetics/Laboratory Corporation of America, LabCorp
Classification: Likely pathogenic for Hemoglobinopathy. Last evaluated: 2026-05-20. Review status: criteria provided, single submitter. Criteria: LabCorp Variant Classification Summary - May 2015. Collection method: clinical testing. Allele origin: germline.
Comment: Variant summary: HBB c.208G>A (p.Gly70Ser) results in a non-conservative amino acid change in the encoded protein sequence. Four of five in-silico tools predict a benign effect of the variant on protein function. The variant allele was found at a frequency of 0.00049 in 1614010 control chromosomes in the gnomAD v4.0.0 database, including 4 homozygotes. This frequency is not significantly higher than estimated for a pathogenic variant in HBB causing Hemoglobinopathy (0.00049 vs 0.011), allowing no conclusion about variant significance. This variant (also known as Hb City of Hope or Hb CH; also referred to as Gly69Ser) has been reported in several heterozygous carriers, who were found to be clinically and hematologically unaffected (e.g., Rahbar_1984, Wilson_1986). However, compound heterozygosity with a beta0-thallassemia allele has been reported in multiple patients, with beta thalassemia phenotypes (e.g., Kutlar_1989, Oner_1990, Vinciguerra_2015, Brik_2025). In a recent study, the variant was reported in compound heterozygosity with a beta0-thalassemia allele in a clinically asymptomatic individual, who had classical beta-thalassemia trait based on hematological parameters, but no evidence of anemia, however this patient also carried an alpha-thalassemia deletion (--SEA), which could reduce the globin chain imbalance, thus modifying the clinical phenotype (Zhou_2019). These data, combined with homozygous occurrences in the gnomAD database, suggest that the variant may primarily cause disease when in trans with a severe allele, and thus its pathogenicity may be genotype-dependent. At least one publication reports experimental evidence evaluating the impact on protein expression in patient samples, showing a significant reduction in hemoglobin protein when this variant was in trans with a null Q40X allele, as compared to related individuals carrying only Q40X (e.g., Vinciguerra_2015). The following publications have been ascertained in the context of this evaluation (PMID: 39696913, 1353069, 17932132, 2467892, 26436569, 2200760, 21302591, 6434492, 34092029, 28802248, 31553106, 25113778, 3957690, 31268351). ClinVar contains an entry for this variant (Variation ID: 15138). While this variant has been reported in the literature, its clinical significance for autosomal dominant HBB-related conditions could not be established. Based on the evidence outlined above, the variant was classified as likely pathogenic for autosomal recessive beta-thalassemia intermedia.

CeGaT Center for Human Genetics Tuebingen
Classification: Likely benign. Last evaluated: 2026-04-01. Review status: criteria provided, single submitter. Criteria: CeGaT Center For Human Genetics Tuebingen Variant Classification Criteria Version 2. Collection method: clinical testing. Allele origin: germline. Affected: yes. Observed: 1 variant allele.
Comment: HBB: BP4, BS1

Natera, Inc.
Classification: Likely pathogenic for Beta thalassemia. Last evaluated: 2026-03-09. Review status: criteria provided, single submitter. Criteria: Natera Variant Classification Schema (03/2026). Collection method: clinical testing. Allele origin: germline.
Comment: The c.208G>A variant in HBB is a missense variant predicted to cause substitution of glycine to serine at amino acid 70. This variant impairs but does not entirely destroy the function of the gene product, and thus may not cause disease when observed in homozygous dosage. This variant (aka Hb City of Hope) is usually clinically asymptomatic when homozygous. It has been reported to cause a thalassemia phenotype when found in trans with beta (0) or HbS variant (PMID:2467892, 25113778, 21302591). Given the available evidence, this variant is classified as Likely Pathogenic.

Labcorp Genetics (formerly Invitae), Labcorp
Classification: Likely pathogenic. Last evaluated: 2026-01-28. Review status: criteria provided, single submitter. Criteria: Invitae Variant Classification Sherloc (09022015). Collection method: clinical testing. Allele origin: germline.
Comment: This sequence change replaces glycine, which is neutral and non-polar, with serine, which is neutral and polar, at codon 70 of the HBB protein (p.Gly70Ser). This variant is present in population databases (rs33947415, gnomAD 1.8%), and has an allele count higher than expected for a pathogenic variant. This missense change has been observed in individual(s) with autosomal recessive mild to moderate beta thalassemia phenotypes and/or severe anemia and immunodeficiency (PMID: 2200760, 2467892, 25113778, 38708170). In at least one individual the data is consistent with being in trans (on the opposite chromosome) from a pathogenic variant. This variant is also known as p.Gly69Ser, G69S, Hb City of Hope, and Hb CH. ClinVar contains an entry for this variant (Variation ID: 15138). Invitae Evidence Modeling of protein sequence and biophysical properties (such as structural, functional, and spatial information, amino acid conservation, physicochemical variation, residue mobility, and thermodynamic stability) has been performed for this missense variant. However, the output from this modeling did not meet the statistical confidence thresholds required to predict the impact of this variant on HBB protein function. In summary, the currently available evidence indicates that the variant is pathogenic, but additional data are needed to prove that conclusively. Therefore, this variant has been classified as Likely Pathogenic.

GeneDx
Classification: Likely pathogenic. Last evaluated: 2025-12-17. Review status: criteria provided, single submitter. Criteria: GeneDx Variant Classification Process June 2021. Collection method: clinical testing. Allele origin: germline. Affected: yes.
Comment: In silico analysis suggests that this missense variant does not alter protein structure/function; Also known as Hb City of Hope (HbCH) and G69S using alternate nomenclature; This variant is associated with the following publications: (PMID: 31553106, 34297361, 28802248, 27823958, 31268351, 25113778, 21302591, 1353069, 6434492, 2467892, 34426522, 37028505, 37265972, Karaer2023[CaseReport], 39696913, 38708170, 2200760)

Quest Diagnostics Nichols Institute San Juan Capistrano
Classification: Likely pathogenic. Last evaluated: 2025-09-12. Review status: criteria provided, single submitter. Criteria: Quest Diagnostics criteria. Collection method: clinical testing. Allele origin: unknown.
Comment: The HBB c.208G>A (p.Gly70Ser) variant (also known as Hb City of Hope) is associated with normal stability. Individuals who are heterozygous or homozygous for this variant have a normal clinical presentation (PMID: 39696913 (2025), 1353069 (11992), 6434492 (1984), HbVar). However, compound heterozygous individuals carrying Hb City of Hope and an additional beta-globin pathogenic variant presented with mild to severe microcytic anemia and beta-thalassemia intermedia (PMID: 39696913 (2025), 25113778 (2015), 2200760 (1990), 2467892 (1989)). In addition, individuals carrying Hb City of Hope and an alpha-globin deletion (-alpha3.7 or --SEA) have a variable presentation ranging from asymptomatic to microcytosis (PMID: 39696913 (2025), 31268351 (2019)). Analysis of this variant using bioinformatics tools for the prediction of the effect of amino acid changes on protein structure and function yielded conflicting predictions that this variant is deleterious or benign. Based on the available information, this variant is classified as likely pathogenic.

NM_000518.4(HBB):c.208G>A (p.Gly70Ser)

Genes: HBB (hemoglobin subunit beta; minus strand), LOC106099062 (HBB recombination region; plus strand), LOC107133510 (origin of replication at HBB; plus strand). Cytogenetic location: 11p15.4.
Variant type: single nucleotide variant.
Coding change: c.208G>A on transcript NM_000518.4; coding-DNA position 208, G replaced by A.
Protein change: p.Gly70Ser; replaces glycine 70 with serine.
Molecular consequence: missense variant (on NM_000518.5).
Genome position (GRCh38, 1-based): chr11:5,226,684, C>T on the plus strand (G>A on the coding strand, the complement: HBB is on the minus strand). VCF-style: chr11-5226684-C-T. GRCh37 (hg19) VCF-style: chr11-5247914-C-T.
Other names: G69S; Hb City of Hope; c.208G>A, p.Gly70Ser (NM_000518.5); short protein forms G70S.
Identifiers: ClinVar variation 15138 (VCV000015138.61), dbSNP rs33947415, ClinGen allele CA124797.
Genomic context (GRCh38, chr11:5,226,684, plus strand): 5'-TCAGTGTGGCAAAGGTGCCCTTGAGGTTGTCCAGGTGAGCCAGGCCATCACTAAAGGCAC[C>T]GAGCACTTTCTTGCCATGAGCCTTCACCTTAGGGTTGCCCATAACAGCATCAGGAGTGGA-3'
Protein context (NP_000509.1, residues 60-80): KVKAHGKKVL[Gly70Ser]AFSDGLAHLD